The following is an entry in ClinVar:

NM_181703.4(GJA5):c.356G>A (p.Gly119Asp)

Gene: GJA5 (gap junction protein alpha 5; minus strand). Cytogenetic location: 1q21.2.
Variant type: single nucleotide variant.
Coding change: c.356G>A on transcript NM_181703.4 (MANE Select); coding-DNA position 356, G replaced by A.
Protein change: p.Gly119Asp; replaces glycine 119 with aspartic acid.
Molecular consequence: missense variant.
Genome position (GRCh38, 1-based): chr1:147,758,883, C>T on the plus strand (G>A on the coding strand, the complement: GJA5 is on the minus strand). VCF-style: chr1-147758883-C-T. GRCh37 (hg19) VCF-style: chr1-147230991-C-T.
Other names: c.356G>A, p.Gly119Asp (NM_005266.7); short protein forms G119D.
Identifiers: ClinVar variation 1318650 (VCV001318650.5), dbSNP rs1663860097, ClinGen allele CA342396728.

ClinVar aggregate classification (germline): Uncertain significance. Review status: criteria provided, multiple submitters, no conflicts (2 of 4 stars). 2 submissions from 2 submitters: Uncertain significance (2). Last evaluated 2023-05-04.

Conditions:
Atrial fibrillation, familial, 11 (ATFB11). Identifiers: MedGen C3279693, MONDO:0013544, OMIM 614049.
Atrial standstill 1 (ATRST1). Also called: Atrial standstill, digenic (GJA5/SCN5A); ATRIAL CARDIOMYOPATHY WITH HEART BLOCK; CARDIOMYOPATHY, FAMILIAL, WITH CONDUCTION DISTURBANCE. Identifiers: Orphanet 1344, MedGen C4551959, MONDO:0007171, OMIM 108770.

Allele frequency attached by ClinVar (database versions not stated): TOPMed below 0.00001.
gnomAD v4.1: 5 of 1,614,222 alleles (0.00031%); highest among the groups gnomAD compares: Non-Finnish European, 0.00042%; no homozygotes.

Submissions (2):

Labcorp Genetics (formerly Invitae), Labcorp
Classification: Uncertain significance for Atrial fibrillation, familial, 11; Atrial standstill 1. Last evaluated: 2023-05-04. Review status: criteria provided, single submitter. Criteria: Invitae Variant Classification Sherloc (09022015). Collection method: clinical testing. Allele origin: germline.
Comment: In summary, the available evidence is currently insufficient to determine the role of this variant in disease. Therefore, it has been classified as a Variant of Uncertain Significance. This sequence change replaces glycine, which is neutral and non-polar, with aspartic acid, which is acidic and polar, at codon 119 of the GJA5 protein (p.Gly119Asp). This variant is not present in population databases (gnomAD no frequency). This variant has not been reported in the literature in individuals affected with GJA5-related conditions. ClinVar contains an entry for this variant (Variation ID: 1318650). Advanced modeling of protein sequence and biophysical properties (such as structural, functional, and spatial information, amino acid conservation, physicochemical variation, residue mobility, and thermodynamic stability) performed at Invitae indicates that this missense variant is not expected to disrupt GJA5 protein function.

GeneDx
Classification: Uncertain significance. Last evaluated: 2019-05-15. Review status: criteria provided, single submitter. Criteria: GeneDx Variant Classification Process June 2021. Collection method: clinical testing. Allele origin: germline. Affected: yes.
Comment: Has not been previously published as pathogenic or benign to our knowledge; Not observed in large population cohorts (Lek et al., 2016); In silico analysis, which includes protein predictors and evolutionary conservation, supports that this variant does not alter protein structure/function